The following is an entry in ClinVar:

ClinVar aggregate classification (germline): Uncertain significance. Review status: criteria provided, single submitter (1 of 4 stars). 3 submissions from 3 submitters: Uncertain significance (1). 2 of the submissions do not count toward it. Last evaluated 2023-11-19.

Conditions:
Cystic fibrosis (CF). Also called: MUCOVISCIDOSIS. Identifiers: Orphanet 586, MedGen C0010674, MONDO:0009061, OMIM 219700. Disease mechanism: loss of function.

Allele frequency attached by ClinVar (database versions not stated): TOPMed below 0.00001; gnomAD 0.00003.
gnomAD v4.1: 3 of 1,581,684 alleles (0.00019%); highest among the groups gnomAD compares: South Asian, 0.0011%; no homozygotes.

Submissions (3):

Women's Health and Genetics/Laboratory Corporation of America, LabCorp
Classification: Uncertain significance. Last evaluated: 2023-11-19. Review status: criteria provided, single submitter. Criteria: LabCorp Variant Classification Summary - May 2015. Collection method: clinical testing. Allele origin: germline.
Comment: Variant summary: CFTR c.561C>A (p.Asn187Lys) results in a non-conservative amino acid change located in the ABC transporter type 1, transmembrane domain (IPR011527) of the encoded protein sequence. Five of five in-silico tools predict a damaging effect of the variant on protein function. The variant allele was found at a frequency of 2.1e-06 in 1429434 control chromosomes (gnomAD v4). The available data on variant occurrences in the general population are insufficient to allow any conclusion about variant significance. c.561C>A has been reported in the literature as a non-informative genotype (heterozygous) in at-least one individual with pancreatitis (example, Arduino_1999 overlapping with Gaia_2002). These report(s) do not provide unequivocal conclusions about association of the variant with Cystic Fibrosis. To our knowledge, no experimental evidence demonstrating an impact on protein function has been reported. The following publications have been ascertained in the context of this evaluation (PMID: 10668931, 12452372, 36834620). One submitter has cited clinical-significance assessments for this variant to ClinVar after 2014 and has classified the variant as uncertain significance. Based on the evidence outlined above, the variant was classified as uncertain significance.

Counsyl
Classification: Uncertain significance for Cystic fibrosis. Last evaluated: 2017-08-02. Review status: no assertion criteria provided. Collection method: clinical testing. Allele origin: unknown. Not counted in ClinVar's aggregate classification.

ClinVar Staff, National Center for Biotechnology Information (NCBI)
No classification provided. Condition: CFTR-related disorders. Review status: no classification provided. Collection method: literature only. Allele origin: germline. Affected: yes. Not counted in ClinVar's aggregate classification.

Literature cited by the submitters: PubMed 12452372 (cited by Women's Health and Genetics/Laboratory Corporation of America, LabCorp and ClinVar Staff, National Center for Biotechnology Information (NCBI)); PubMed 10668931 (cited by Women's Health and Genetics/Laboratory Corporation of America, LabCorp); PubMed 36834620 (cited by Women's Health and Genetics/Laboratory Corporation of America, LabCorp).

NM_000492.4(CFTR):c.561C>A (p.Asn187Lys)

Gene: CFTR (CF transmembrane conductance regulator; plus strand). Cytogenetic location: 7q31.2.
Variant type: single nucleotide variant.
Coding change: c.561C>A on transcript NM_000492.4 (MANE Select); coding-DNA position 561, C replaced by A.
Protein change: p.Asn187Lys; replaces asparagine 187 with lysine.
Molecular consequence: missense variant.
Genome position (GRCh38, 1-based): chr7:117,534,347, C>A. VCF-style: chr7-117534347-C-A. GRCh37 (hg19) VCF-style: chr7-117174401-C-A.
Other names: short protein forms N187K.
Identifiers: ClinVar variation 54001 (VCV000054001.3), dbSNP rs397508754, ClinGen allele CA327568.